The following is an entry in ClinVar:

NM_001029883.3(PCARE):c.2813G>A (p.Gly938Asp)

Gene: PCARE (photoreceptor cilium actin regulator; minus strand). Cytogenetic location: 2p23.2.
Variant type: single nucleotide variant.
Coding change: c.2813G>A on transcript NM_001029883.3 (MANE Select); coding-DNA position 2813, G replaced by A.
Protein change: p.Gly938Asp; replaces glycine 938 with aspartic acid.
Molecular consequence: missense variant.
Genome position (GRCh38, 1-based): chr2:29,071,449, C>T on the plus strand (G>A on the coding strand, the complement: PCARE is on the minus strand). VCF-style: chr2-29071449-C-T. GRCh37 (hg19) VCF-style: chr2-29294315-C-T.
Other names: short protein forms G938D.
Identifiers: ClinVar variation 844365 (VCV000844365.10), dbSNP rs1490916881, ClinGen allele CA346476378.

ClinVar aggregate classification (germline): Uncertain significance. Review status: criteria provided, multiple submitters, no conflicts (2 of 4 stars). 3 submissions from 3 submitters: Uncertain significance (2). 1 of the submissions does not count toward it. Last evaluated 2024-08-27.

Conditions:
Retinal dystrophy. Also called: Inherited retinal dystrophy. Identifiers: Orphanet 71862, MedGen C0854723, MeSH D058499, MONDO:0019118, HP:0000556.

Allele frequency attached by ClinVar (database versions not stated): gnomAD 0.00001; gnomAD exomes 0.00001 and 0.00002; TOPMed 0.00001.

Submissions (3):

Blueprint Genetics
Classification: Uncertain significance. Last evaluated: 2024-08-27. Review status: criteria provided, single submitter. Criteria: ACMG Guidelines, 2015. Collection method: clinical testing. Allele origin: germline.

Labcorp Genetics (formerly Invitae), Labcorp
Classification: Uncertain significance. Last evaluated: 2019-11-28. Review status: criteria provided, single submitter. Criteria: Invitae Variant Classification Sherloc (09022015). Collection method: clinical testing. Allele origin: germline.
Comment: In summary, the available evidence is currently insufficient to determine the role of this variant in disease. Therefore, it has been classified as a Variant of Uncertain Significance. This sequence change replaces glycine with aspartic acid at codon 938 of the PCARE protein (p.Gly938Asp). The glycine residue is highly conserved and there is a moderate physicochemical difference between glycine and aspartic acid. This variant is not present in population databases (ExAC no frequency). This variant has not been reported in the literature in individuals with PCARE-related conditions. Algorithms developed to predict the effect of missense changes on protein structure and function output the following: SIFT: "Deleterious"; PolyPhen-2: "Benign"; Align-GVGD: "Class C15". The aspartic acid amino acid residue is found in multiple mammalian species, suggesting that this missense change does not adversely affect protein function. These predictions have not been confirmed by published functional studies and their clinical significance is uncertain.

Institute of Human Genetics, Univ. Regensburg, Univ. Regensburg
Classification: Uncertain significance for Retinal dystrophy. Last evaluated: 2023-01-01. Review status: no assertion criteria provided. Criteria: ACMG Guidelines, 2015. Collection method: clinical testing. Allele origin: germline. Affected: yes. Not counted in ClinVar's aggregate classification.